The following is an entry in ClinVar:

NM_020937.4(FANCM):c.1366G>A (p.Val456Ile)

Gene: FANCM (FA complementation group M; plus strand). Cytogenetic location: 14q21.2.
Variant type: single nucleotide variant.
Coding change: c.1366G>A on transcript NM_020937.4 (MANE Select); coding-DNA position 1366, G replaced by A.
Protein change: p.Val456Ile; replaces valine 456 with isoleucine.
Molecular consequence: missense variant.
Genome position (GRCh38, 1-based): chr14:45,155,429, G>A. VCF-style: chr14-45155429-G-A. GRCh37 (hg19) VCF-style: chr14-45624632-G-A.
Other names: c.1288G>A, p.Val430Ile (NM_001308133.2); c.1366G>A, p.Val456Ile (NM_001308134.2); short protein forms V456I, V430I.
Identifiers: ClinVar variation 654400 (VCV000654400.11), dbSNP rs779075398, ClinGen allele CA7169025.

ClinVar aggregate classification (germline): Uncertain significance. Review status: criteria provided, multiple submitters, no conflicts (2 of 4 stars). 2 submissions from 2 submitters: Uncertain significance (2). Last evaluated 2025-06-24.

Conditions:
Fanconi anemia (FA). Also called: Fanconi's anemia. Identifiers: Orphanet 84, MedGen C0015625, MeSH D005199, MONDO:0019391.

Allele frequency attached by ClinVar (database versions not stated): ExAC 0.00003; TOPMed 0.00005; gnomAD exomes 0.00001 and 0.00003; gnomAD 0.00007.
gnomAD v4.1: 31 of 1,492,288 alleles (0.0021%); highest among the groups gnomAD compares: Non-Finnish European, 0.0026%; no homozygotes.

Submissions (2):

Labcorp Genetics (formerly Invitae), Labcorp
Classification: Uncertain significance for Fanconi anemia. Last evaluated: 2025-06-24. Review status: criteria provided, single submitter. Criteria: Invitae Variant Classification Sherloc (09022015). Collection method: clinical testing. Allele origin: germline.
Comment: This sequence change replaces valine, which is neutral and non-polar, with isoleucine, which is neutral and non-polar, at codon 456 of the FANCM protein (p.Val456Ile). This variant is present in population databases (rs779075398, gnomAD 0.007%). This variant has not been reported in the literature in individuals affected with FANCM-related conditions. ClinVar contains an entry for this variant (Variation ID: 654400). An algorithm developed to predict the effect of missense changes on protein structure and function outputs the following: PolyPhen-2: "Benign". The isoleucine amino acid residue is found in multiple mammalian species, which suggests that this missense change does not adversely affect protein function. In summary, the available evidence is currently insufficient to determine the role of this variant in disease. Therefore, it has been classified as a Variant of Uncertain Significance.

GeneDx
Classification: Uncertain significance. Last evaluated: 2024-05-06. Review status: criteria provided, single submitter. Criteria: GeneDx Variant Classification Process June 2021. Collection method: clinical testing. Allele origin: germline.
Comment: Not observed at significant frequency in large population cohorts (gnomAD); In silico analysis indicates that this missense variant does not alter protein structure/function; Has not been previously published as pathogenic or benign to our knowledge